The following is an entry in ClinVar:

NM_001005242.3(PKP2):c.1839+2T>A

Gene: PKP2 (plakophilin 2; minus strand). Cytogenetic location: 12p11.21.
Variant type: single nucleotide variant.
Coding change: c.1839+2T>A on transcript NM_001005242.3 (MANE Select); the canonical splice donor site of the intron after coding-DNA position 1839, T replaced by A.
Molecular consequence: splice donor variant. On other transcripts: intron variant (1).
Genome position (GRCh38, 1-based): chr12:32,822,465, A>T on the plus strand (T>A on the coding strand, the complement: PKP2 is on the minus strand). VCF-style: chr12-32822465-A-T. GRCh37 (hg19) VCF-style: chr12-32975399-A-T.
Other names: c.1675-936T>A (NM_001407156.1); c.1839+2T>A (NM_001407155.1, NM_001407161.1); c.1971+2T>A (NM_004572.4, NM_001407157.1); c.1512+2T>A (NM_001407160.1, NM_001407159.1, NM_001407158.1 and 1 more transcripts).
Identifiers: ClinVar variation 2441851 (VCV002441851.6), dbSNP rs1592737769, ClinGen allele CA384362533.
Genomic context (GRCh38, chr12:32,822,465, plus strand): 5'-ACAAACACACACTCTCTCTCATTCTCTCCCTTTCTCATTCTTTCAAAAACTTCCCAATAT[A>T]CCTCTTTTACTTTCCTGCTTCGACTGCCAAAACATCCAATACTTTTGTTGTTGTCAGTCT-3'

ClinVar aggregate classification (germline): Conflicting classifications of pathogenicity. Review status: criteria provided, conflicting classifications (1 of 4 stars). 3 submissions from 3 submitters: Likely pathogenic (2); Uncertain significance (1). Last evaluated 2025-10-06.

Conditions:
Cardiomyopathy (CMYO). Also called: Cardiomyopathies. Identifiers: Orphanet 167848, MedGen C0878544, MONDO:0004994, HP:0001638. Inheritance: Various modes of inheritance.
Arrhythmogenic right ventricular dysplasia 9 (ARVD9). Also called: ARRHYTHMOGENIC RIGHT VENTRICULAR DYSPLASIA, FAMILIAL, 9; Arrhythmogenic Right Ventricular Dysplasia/Cardiomyopathy 9. Identifiers: MedGen C1836906, MONDO:0012180, OMIM 609040.

Submissions (4):

Color Diagnostics, LLC DBA Color Health
Classification: Uncertain significance for Cardiomyopathy. Last evaluated: 2025-10-06. Review status: criteria provided, single submitter. Criteria: ACMG Guidelines, 2015. Collection method: clinical testing. Allele origin: germline.
Comment: This variant causes a T to A nucleotide substitution at +2 position in intron 9 in the PKP2 gene. To our knowledge, functional studies have not been reported for this variant. This variant has not been reported in individuals affected with PKP2-related disorders in the literature. This variant has not been identified in the general population by the Genome Aggregation Database (gnomAD). The available evidence is insufficient to determine the role of this variant in disease conclusively. Therefore, this variant is classified as a Variant of Uncertain Significance.

Labcorp Genetics (formerly Invitae), Labcorp
Classification: Likely pathogenic for Arrhythmogenic right ventricular dysplasia 9. Last evaluated: 2024-03-26. Review status: criteria provided, single submitter. Criteria: Invitae Variant Classification Sherloc (09022015). Collection method: clinical testing. Allele origin: germline.
Comment: This sequence change affects a donor splice site in intron 9 of the PKP2 gene. It is expected to disrupt RNA splicing. Variants that disrupt the donor or acceptor splice site typically lead to a loss of protein function (PMID: 16199547), and loss-of-function variants in PKP2 are known to be pathogenic (PMID: 15489853, 17041889, 23911551). This variant is not present in population databases (gnomAD no frequency). This variant has not been reported in the literature in individuals affected with PKP2-related conditions. ClinVar contains an entry for this variant (Variation ID: 2441851). Algorithms developed to predict the effect of sequence changes on RNA splicing suggest that this variant may disrupt the consensus splice site. In summary, the currently available evidence indicates that the variant is pathogenic, but additional data are needed to prove that conclusively. Therefore, this variant has been classified as Likely Pathogenic.

Baylor Genetics
Classification: Likely pathogenic for Arrhythmogenic right ventricular dysplasia 9. Last evaluated: 2022-11-05. Review status: criteria provided, single submitter. Criteria: ACMG Guidelines, 2015. Collection method: clinical testing. Allele origin: unknown.

Dr. Peter K. Rogan Lab, Western University
No classification provided (evidence only). Condition: Lung cancer. Review status: no classification provided. Collection method: in vitro. Allele origin: not applicable. Functional consequence: retained intron. Not counted in ClinVar's aggregate classification.

Literature cited by the submitters: PubMed 16199547 (cited by Labcorp Genetics (formerly Invitae), Labcorp); PubMed 15489853 (cited by Labcorp Genetics (formerly Invitae), Labcorp); PubMed 17041889 (cited by Labcorp Genetics (formerly Invitae), Labcorp); PubMed 23911551 (cited by Labcorp Genetics (formerly Invitae), Labcorp).